The following is an entry in ClinVar:

NM_018089.3(ANKZF1):c.1237G>T (p.Val413Leu)

Gene: ANKZF1 (ankyrin repeat and zinc finger peptidyl tRNA hydrolase 1; plus strand). Cytogenetic location: 2q35.
Variant type: single nucleotide variant.
Coding change: c.1237G>T on transcript NM_018089.3 (MANE Select); coding-DNA position 1237, G replaced by T.
Protein change: p.Val413Leu; replaces valine 413 with leucine.
Molecular consequence: missense variant.
Genome position (GRCh38, 1-based): chr2:219,234,858, G>T. VCF-style: chr2-219234858-G-T. GRCh37 (hg19) VCF-style: chr2-220099580-G-T.
Other names: c.1237G>T, p.Val413Leu (NM_001042410.2); c.607G>T, p.Val203Leu (NM_001282792.2); short protein forms V203L, V413L.
Identifiers: ClinVar variation 3049879 (VCV003049879.2), dbSNP rs1446848096, ClinGen allele CA350679634.

ClinVar aggregate classification (germline): Uncertain significance (0 of 4 stars; one submission).

Conditions:
ANKZF1-related disorder. Also called: ANKZF1-related condition.

Submission:

PreventionGenetics, part of Exact Sciences
Classification: Uncertain significance for ANKZF1-related condition. Last evaluated: 2024-01-26. Review status: no assertion criteria provided. Collection method: clinical testing. Allele origin: germline.
Comment: The ANKZF1 c.1237G>T variant is predicted to result in the amino acid substitution p.Val413Leu. To our knowledge, this variant has not been reported in the literature or in a large population database, indicating this variant is rare. At this time, the clinical significance of this variant is uncertain due to the absence of conclusive functional and genetic evidence.